The following is an entry in ClinVar:

ClinVar aggregate classification (germline): Pathogenic/Likely pathogenic. Review status: criteria provided, multiple submitters, no conflicts (2 of 4 stars). 3 submissions from 3 submitters: Pathogenic (1); Likely pathogenic (2). Last evaluated 2026-06-29.

Conditions:
Autosomal recessive limb-girdle muscular dystrophy type 2J (LGMDR10). Also called: Limb-girdle muscular dystrophy, type 2J; MUSCULAR DYSTROPHY, LIMB-GIRDLE, AUTOSOMAL RECESSIVE 10. Identifiers: Orphanet 140922, MedGen C1837342, MONDO:0012127, OMIM 608807.
Dilated cardiomyopathy 1G (CMD1G). Identifiers: Orphanet 154, MedGen C1858763, MONDO:0011400, OMIM 604145.
Cardiovascular phenotype. Identifiers: MedGen CN230736.

Allele frequency attached by ClinVar (database versions not stated): gnomAD exomes 0.00001; TOPMed below 0.00001.

Submissions (3):

GeneDx
Classification: Pathogenic. Last evaluated: 2026-06-29. Review status: criteria provided, single submitter. Criteria: GeneDx Variant Classification Process June 2021. Collection method: clinical testing. Allele origin: germline.
Comment: Frameshift variant that is predicted to result in protein truncation or nonsense mediated decay in a gene for which loss-of-function is a known mechanism of disease; Located in the M-band, a region of TTN for which truncating variants are significantly associated with autosomal recessive skeletal myopathies and also with autosomal dominant cardiomyopathy (PMID: 17444505, 32778822, 36637017); Reported in association with atrial fibrillation risk using data from large whole exome sequencing biobank cohort (PMID: 35177841); Not observed at significant frequency in large population cohorts (gnomAD); This variant is associated with the following publications: (PMID: 17444505, 32778822, 36637017, 35177841)

Ambry Genetics
Classification: Likely pathogenic for Cardiovascular phenotype. Last evaluated: 2025-12-11. Review status: criteria provided, single submitter. Criteria: Ambry Variant Classification Scheme 2023. Collection method: clinical testing. Allele origin: germline.
Comment: The c.78596dupT variant, located in coding exon 185 of the TTN gene, results from a duplication of T at nucleotide position 78596, causing a translational frameshift with a predicted alternate stop codon (p.S26200Ifs*34). This exon is located in the M-band region of the N2-B isoform of the titin protein and is constitutively expressed in TTN transcripts (percent spliced in or PSI 100%). This variant is considered to be rare based on population cohorts in the Genome Aggregation Database (gnomAD). This variant is expected to result in loss of function by premature protein truncation or nonsense-mediated mRNA decay. While truncating variants in TTN are present in 1-3% of the general population, truncating variants in the M-band have been reported in association with autosomal recessive titinopathies, primarily presenting with skeletal myopathy phenotypes (Ceyhan-Birsoy O et al. Neurology. 2013 Oct 1;81(14):1205-14; De Cid R et al. Neurology. 2015;85(24):2126-35). Truncating variants in coding exon 185 of the M-band of the N2-B isoform have also been specifically associated with autosomal dominant dilated cardiomyopathy (Vatta M et al. Circ GenomPrecis Med. 2025 Feb:e004982). More generally, TTN truncating variants encoded in constitutive exons (PSI >90%) have been found to be significantly associated with dilated cardiomyopathy (DCM) regardless of their position, although truncating variants in the A-band are the most common cause of DCM (Herman DS et al. N. Engl. J. Med., 2012 Feb;366:619-28; Roberts AM et al. Sci Transl Med, 2015 Jan;7:270ra6; Schafer S et al. Nat. Genet., 2017 01;49:46-53; Akhtar MM et al. Circ Heart Fail, 2020 Oct;13:e006832; Massier M et al. Clin Genet, 2025 Jan). Based on the majority of available evidence to date, this variant is likely to be pathogenic.

Labcorp Genetics (formerly Invitae), Labcorp
Classification: Likely pathogenic for Dilated cardiomyopathy 1G; Autosomal recessive limb-girdle muscular dystrophy type 2J. Last evaluated: 2023-12-06. Review status: criteria provided, single submitter. Criteria: Invitae Variant Classification Sherloc (09022015). Collection method: clinical testing. Allele origin: germline.
Comment: This sequence change creates a premature translational stop signal (p.Ser35265Ilefs*34) in the TTN gene. While this is not anticipated to result in nonsense mediated decay, it is expected to create a truncated TTN protein. This variant is not present in population databases (gnomAD no frequency). This premature translational stop signal has been observed in individual(s) with clinical features of autosomal recessive TTN-related conditions (Invitae). ClinVar contains an entry for this variant (Variation ID: 1066869). This variant is located in the M band of TTN (PMID: 25589632). Truncating variants in this region have been previously reported in individuals affected with autosomal recessive myopathy and muscular dystrophy (PMID: 18948003, 23975875, 24395473). Truncating variants in this region have also been identified in individuals affected with autosomal dominant dilated cardiomyopathy and/or cardio-related conditions (PMID: 27869827, 32964742). In summary, the currently available evidence indicates that the variant is pathogenic, but additional data are needed to prove that conclusively. Therefore, this variant has been classified as Likely Pathogenic.

Literature cited by the submitters: PubMed 25589632 (cited by Labcorp Genetics (formerly Invitae), Labcorp); PubMed 18948003 (cited by Labcorp Genetics (formerly Invitae), Labcorp); PubMed 23975875 (cited by Labcorp Genetics (formerly Invitae), Labcorp); PubMed 24395473 (cited by Labcorp Genetics (formerly Invitae), Labcorp); PubMed 27869827 (cited by Labcorp Genetics (formerly Invitae), Labcorp); PubMed 32964742 (cited by Labcorp Genetics (formerly Invitae), Labcorp).

NM_001267550.2(TTN):c.105791dup (p.Ser35265fs)

Genes: TTN-AS1 (TTN antisense RNA 1; plus strand), TTN (titin; minus strand), LOC129935183 (ATAC-STARR-seq lymphoblastoid active region 16808; plus strand). Cytogenetic location: 2q31.2.
Variant type: Duplication.
Coding change: c.105791dup on transcript NM_001267550.2 (MANE Select); coding-DNA position 105791, one base duplicated (T; older notation c.105791dupT).
Protein change: p.Ser35265fs; shifts the reading frame from serine 35265.
Molecular consequence: frameshift variant.
Genome position (GRCh38, 1-based): chr2:178,530,824, A duplicated on the plus strand (T on the coding strand, the reverse complement: TTN is on the minus strand). VCF-style (leftmost placement, unchanged base first): chr2-178530823-T-TA. GRCh37 (hg19) VCF-style: chr2-179395550-T-TA.
Other names: c.78596dupT (NM_003319.4); c.100868dup, p.Ser33624fs (NM_001256850.1); c.78596dup, p.Ser26200fs (NM_003319.4); c.98087dup, p.Ser32697fs (NM_133378.4); c.78971dup, p.Ser26325fs (NM_133432.3); c.79172dup, p.Ser26392fs (NM_133437.4); short protein forms S26200fs, S26325fs, S26392fs, S32697fs, S33624fs, S35265fs.
Identifiers: ClinVar variation 1066869 (VCV001066869.12), dbSNP rs1688794902, ClinGen allele CA1310515064.